The following is an entry in ClinVar:

NM_001148.6(ANK2):c.3857A>G (p.Asn1286Ser)

Gene: ANK2 (ankyrin 2; plus strand). Cytogenetic location: 4q26.
Variant type: single nucleotide variant.
Coding change: c.3857A>G on transcript NM_001148.6 (MANE Select); coding-DNA position 3857, A replaced by G.
Protein change: p.Asn1286Ser; replaces asparagine 1286 with serine.
Molecular consequence: missense variant.
Genome position (GRCh38, 1-based): chr4:113,339,286, A>G. VCF-style: chr4-113339286-A-G. GRCh37 (hg19) VCF-style: chr4-114260442-A-G.
Other names: c.3830A>G, p.Asn1277Ser (NM_001127493.3); c.3869A>G, p.Asn1290Ser (NM_001354225.2); c.3758A>G, p.Asn1253Ser (NM_001354228.2, NM_001354258.2); c.3836A>G, p.Asn1279Ser (NM_001354230.2); c.3899A>G, p.Asn1300Ser (NM_001354231.2, NM_001354242.2); c.3893A>G, p.Asn1298Ser (NM_001354232.2); c.3854A>G, p.Asn1285Ser (NM_001354235.2, NM_001354246.2, NM_001354265.2); c.3755A>G, p.Asn1252Ser (NM_001354236.2); and 31 more; short protein forms N1125S, N1158S, N1186S, N1191S, N1199S, N1211S, N1215S, N1219S.
Identifiers: ClinVar variation 1706300 (VCV001706300.2), dbSNP rs2093971827, ClinGen allele CA357906790.

ClinVar aggregate classification (germline): Uncertain significance (1 of 4 stars; one submission).

Submission:

GeneDx
Classification: Uncertain significance. Last evaluated: 2022-03-15. Review status: criteria provided, single submitter. Criteria: GeneDx Variant Classification Process June 2021. Collection method: clinical testing. Allele origin: germline. Affected: yes.
Comment: Not observed at significant frequency in large population cohorts (gnomAD); In silico analysis supports that this missense variant has a deleterious effect on protein structure/function; Has not been previously published as pathogenic or benign to our knowledge